The following is an entry in ClinVar:

ClinVar aggregate classification (germline): Uncertain significance (1 of 4 stars; one submission).

Conditions:
Cortical dysplasia-focal epilepsy syndrome (PTHSL1). Also called: Pitt-Hopkins-like syndrome 1. Identifiers: Orphanet 163681, Orphanet 221150, MedGen C2750246, MONDO:0012400, OMIM 610042.

Allele frequency attached by ClinVar (database versions not stated): gnomAD exomes below 0.00001.
gnomAD v4.1: 4 of 1,614,156 alleles (0.00025%); highest among the groups gnomAD compares: Non-Finnish European, 0.00034%; no homozygotes.

Submission:

Labcorp Genetics (formerly Invitae), Labcorp
Classification: Uncertain significance for Cortical dysplasia-focal epilepsy syndrome. Last evaluated: 2022-06-23. Review status: criteria provided, single submitter. Criteria: Invitae Variant Classification Sherloc (09022015). Collection method: clinical testing. Allele origin: germline.
Comment: In summary, the available evidence is currently insufficient to determine the role of this variant in disease. Therefore, it has been classified as a Variant of Uncertain Significance. This sequence change replaces methionine, which is neutral and non-polar, with valine, which is neutral and non-polar, at codon 840 of the CNTNAP2 protein (p.Met840Val). This variant is not present in population databases (gnomAD no frequency). This variant has not been reported in the literature in individuals affected with CNTNAP2-related conditions. ClinVar contains an entry for this variant (Variation ID: 948655). Algorithms developed to predict the effect of missense changes on protein structure and function are either unavailable or do not agree on the potential impact of this missense change (SIFT: "Deleterious"; PolyPhen-2: "Benign"; Align-GVGD: "Class C0").

NM_014141.6(CNTNAP2):c.2518A>G (p.Met840Val)

Gene: CNTNAP2 (contactin associated protein 2; plus strand). Cytogenetic location: 7q35.
Variant type: single nucleotide variant.
Coding change: c.2518A>G on transcript NM_014141.6 (MANE Select); coding-DNA position 2518, A replaced by G.
Protein change: p.Met840Val; replaces methionine 840 with valine.
Molecular consequence: missense variant.
Genome position (GRCh38, 1-based): chr7:148,118,252, A>G. VCF-style: chr7-148118252-A-G. GRCh37 (hg19) VCF-style: chr7-147815344-A-G.
Other names: short protein forms M840V.
Identifiers: ClinVar variation 948655 (VCV000948655.9), dbSNP rs1804518982, ClinGen allele CA369927449.
Genomic context (GRCh38, chr7:148,118,252, plus strand): 5'-AGCGCTGACATTTCTTTCTACTTCAAAACATTAACCCCCTGGGGAGTGTTTCTTGAAAAT[A>G]TGGGAAAGGAAGATTTCATCAAGCTGGAGCTGAAGTGTGAGTATAAGTTGCTTGTCAACT-3'
Protein context (NP_054860.1, residues 830-850): LTPWGVFLEN[Met840Val]GKEDFIKLEL